The following is an entry in ClinVar:

ClinVar aggregate classification (germline): Uncertain significance. Review status: criteria provided, multiple submitters, no conflicts (2 of 4 stars). 2 submissions from 2 submitters: Uncertain significance (2). Last evaluated 2025-11-18.

Conditions:
Hereditary cancer-predisposing syndrome. Also called: Neoplastic Syndromes, Hereditary; Tumor predisposition; Hereditary Cancer Syndrome; Hereditary neoplastic syndrome. Identifiers: Orphanet 140162, MedGen C0027672, MeSH D009386, MONDO:0015356.

Allele frequency attached by ClinVar (database versions not stated): gnomAD exomes below 0.00001 and 0.00001; ExAC 0.00001; gnomAD 0.00001; TOPMed 0.00001.
gnomAD v4.1: 4 of 1,614,066 alleles (0.00025%); highest among the groups gnomAD compares: Non-Finnish European, 0.00034%; no homozygotes.

Submissions (2):

Labcorp Genetics (formerly Invitae), Labcorp
Classification: Uncertain significance. Last evaluated: 2025-11-18. Review status: criteria provided, single submitter. Criteria: Invitae Variant Classification Sherloc (09022015). Collection method: clinical testing. Allele origin: germline.
Comment: This sequence change replaces leucine, which is neutral and non-polar, with proline, which is neutral and non-polar, at codon 232 of the POLE protein (p.Leu232Pro). This variant is present in population databases (rs748554882, gnomAD 0.002%). This variant has not been reported in the literature in individuals affected with POLE-related conditions. ClinVar contains an entry for this variant (Variation ID: 473821). Invitae Evidence Modeling of protein sequence and biophysical properties (such as structural, functional, and spatial information, amino acid conservation, physicochemical variation, residue mobility, and thermodynamic stability) indicates that this missense variant is not expected to disrupt POLE protein function with a negative predictive value of 80%. In summary, the available evidence is currently insufficient to determine the role of this variant in disease. Therefore, it has been classified as a Variant of Uncertain Significance.

Ambry Genetics
Classification: Uncertain significance for Hereditary cancer-predisposing syndrome. Last evaluated: 2025-05-17. Review status: criteria provided, single submitter. Criteria: Ambry Variant Classification Scheme 2023. Collection method: clinical testing. Allele origin: germline.

NM_006231.4(POLE):c.695T>C (p.Leu232Pro)

Gene: POLE (DNA polymerase epsilon, catalytic subunit; minus strand). Cytogenetic location: 12q24.33.
Variant type: single nucleotide variant.
Coding change: c.695T>C on transcript NM_006231.4 (MANE Select); coding-DNA position 695, T replaced by C.
Protein change: p.Leu232Pro; replaces leucine 232 with proline.
Molecular consequence: missense variant.
Genome position (GRCh38, 1-based): chr12:132,677,603, A>G on the plus strand (T>C on the coding strand, the complement: POLE is on the minus strand). VCF-style: chr12-132677603-A-G. GRCh37 (hg19) VCF-style: chr12-133254189-A-G.
Other names: short protein forms L232P.
Identifiers: ClinVar variation 473821 (VCV000473821.16), dbSNP rs748554882, ClinGen allele CA6894235.
Genomic context (GRCh38, chr12:132,677,603, plus strand): 5'-TCATGTGAGCAGCGACCCAACCCTGCCCCACTCACCACGTGGATCTTCAGGTCAATGGAG[A>G]GGCGGATGTGGTAGGGAACATCGTACTCGCGCATGTCCACAATGTTGTCCAACTGGTCAG-3'
Protein context (NP_006222.2, residues 222-242): REYDVPYHIR[Leu232Pro]SIDLKIHVAH